The following is an entry in ClinVar:

NM_001134407.3(GRIN2A):c.2860_2861del (p.Ser954fs)

Gene: GRIN2A (glutamate ionotropic receptor NMDA type subunit 2A; minus strand). Cytogenetic location: 16p13.2.
Variant type: Microsatellite.
Coding change: c.2860_2861del on transcript NM_001134407.3 (MANE Select); coding-DNA positions 2860 to 2861, 2 bases deleted (AG; older notation c.2860_2861delAG).
Protein change: p.Ser954fs; shifts the reading frame from serine 954.
Molecular consequence: frameshift variant.
Genome position (GRCh38, 1-based): chr16:9,764,683-9,764,684, CT deleted on the plus strand (AG on the coding strand, the reverse complement: GRIN2A is on the minus strand); deleting any 2 consecutive bases within chr16:9,764,683-9,764,688 gives the same sequence; the c. name uses the placement nearest the transcript's 3' end. VCF-style (leftmost placement, unchanged base first): chr16-9764682-GCT-G. GRCh37 (hg19) VCF-style: chr16-9858539-GCT-G.
Other names: c.2860_2861del, p.Ser954fs (NM_000833.5, NM_001134408.2); short protein forms S954fs.
Identifiers: ClinVar variation 3691084 (VCV003691084.2).
Genomic context (GRCh38, chr16:9,764,682, plus strand): 5'-GTTATCCTTCTGCCGGTTGGCCACAAATGTTTGGAGTTCGTTCATGTTGTCTCCAAAAAT[GCT>G]CTCTTTCCCCTGAAAGGACCTGTTGTCTGAGTACATCAAATTCCCCTTATCTGAAACCAT-3'

ClinVar aggregate classification (germline): Pathogenic (1 of 4 stars; one submission).

Conditions:
Landau-Kleffner syndrome (FESD). Also called: EPILEPSY, FOCAL, WITH SPEECH DISORDER AND WITH OR WITHOUT MENTAL RETARDATION; APHASIA, ACQUIRED, WITH EPILEPSY. Identifiers: Orphanet 1945, Orphanet 725, Orphanet 98818, MedGen C0282512, MONDO:0009509, OMIM 245570.

Submission:

Labcorp Genetics (formerly Invitae), Labcorp
Classification: Pathogenic for Landau-Kleffner syndrome. Last evaluated: 2024-02-23. Review status: criteria provided, single submitter. Criteria: Invitae Variant Classification Sherloc (09022015). Collection method: clinical testing. Allele origin: germline.
Comment: This sequence change creates a premature translational stop signal (p.Ser954Hisfs*20) in the GRIN2A gene. While this is not anticipated to result in nonsense mediated decay, it is expected to disrupt the last 511 amino acid(s) of the GRIN2A protein. This variant is not present in population databases (gnomAD no frequency). This variant has not been reported in the literature in individuals affected with GRIN2A-related conditions. Experimental studies and prediction algorithms are not available or were not evaluated, and the functional significance of this variant is currently unknown. This variant disrupts a region of the GRIN2A protein in which other variant(s) (p.Asn1397Glnfs*23) have been determined to be pathogenic (PMID: 25724810). This suggests that this is a clinically significant region of the protein, and that variants that disrupt it are likely to be disease-causing. For these reasons, this variant has been classified as Pathogenic.

Literature cited by the submitters: PubMed 25724810.